The following is an entry in ClinVar:

ClinVar aggregate classification (germline): Uncertain significance. Review status: criteria provided, multiple submitters, no conflicts (2 of 4 stars). 3 submissions from 3 submitters: Uncertain significance (3). Last evaluated 2025-03-13.

Conditions:
Familial adenomatous polyposis 1 (FAP1). Also called: FAMILIAL ADENOMATOUS POLYPOSIS 1, ATTENUATED; POLYPOSIS, ADENOMATOUS INTESTINAL. Identifiers: MedGen C2713442, MONDO:0021056, OMIM 175100. Disease mechanism: loss of function.
Hereditary cancer-predisposing syndrome. Also called: Neoplastic Syndromes, Hereditary; Hereditary neoplastic syndrome; Tumor predisposition; Hereditary Cancer Syndrome. Identifiers: Orphanet 140162, MedGen C0027672, MeSH D009386, MONDO:0015356.

Submissions (3):

GeneDx
Classification: Uncertain significance. Last evaluated: 2025-03-13. Review status: criteria provided, single submitter. Criteria: GeneDx Variant Classification Process June 2021. Collection method: clinical testing. Allele origin: germline. Affected: yes.
Comment: Not observed at significant frequency in large population cohorts (gnomAD); In silico analysis indicates that this missense variant does not alter protein structure/function; Has not been previously published as pathogenic or benign to our knowledge

Labcorp Genetics (formerly Invitae), Labcorp
Classification: Uncertain significance for Familial adenomatous polyposis 1. Last evaluated: 2024-04-23. Review status: criteria provided, single submitter. Criteria: Invitae Variant Classification Sherloc (09022015). Collection method: clinical testing. Allele origin: germline.
Comment: This sequence change replaces glutamine, which is neutral and polar, with arginine, which is basic and polar, at codon 1191 of the APC protein (p.Gln1191Arg). This variant is not present in population databases (gnomAD no frequency). This variant has not been reported in the literature in individuals affected with APC-related conditions. ClinVar contains an entry for this variant (Variation ID: 1996058). Advanced modeling of protein sequence and biophysical properties (such as structural, functional, and spatial information, amino acid conservation, physicochemical variation, residue mobility, and thermodynamic stability) performed at Invitae indicates that this missense variant is not expected to disrupt APC protein function with a negative predictive value of 95%. In summary, the available evidence is currently insufficient to determine the role of this variant in disease. Therefore, it has been classified as a Variant of Uncertain Significance.

Ambry Genetics
Classification: Uncertain significance for Hereditary cancer-predisposing syndrome. Last evaluated: 2023-08-25. Review status: criteria provided, single submitter. Criteria: Ambry Variant Classification Scheme 2023. Collection method: clinical testing. Allele origin: germline.
Comment: The p.Q1191R variant (also known as c.3572A>G), located in coding exon 15 of the APC gene, results from an A to G substitution at nucleotide position 3572. The glutamine at codon 1191 is replaced by arginine, an amino acid with highly similar properties. This amino acid position is conserved. In addition, in silico predictors for this gene do not accurately predict pathogenicity. Since supporting evidence is limited at this time, the clinical significance of this alteration remains unclear.

NM_000038.6(APC):c.3572A>G (p.Gln1191Arg)

Gene: APC (APC regulator of Wnt signaling pathway; plus strand). Cytogenetic location: 5q22.2.
Variant type: single nucleotide variant.
Coding change: c.3572A>G on transcript NM_000038.6 (MANE Select); coding-DNA position 3572, A replaced by G.
Protein change: p.Gln1191Arg; replaces glutamine 1191 with arginine.
Molecular consequence: missense variant.
Genome position (GRCh38, 1-based): chr5:112,839,166, A>G. VCF-style: chr5-112839166-A-G. GRCh37 (hg19) VCF-style: chr5-112174863-A-G.
Other names: c.3572A>G (NM_000038.5); c.3572A>G, p.Gln1191Arg (NM_001127510.3, NM_001354895.2, NM_001407450.1); c.3518A>G, p.Gln1173Arg (NM_001127511.3); c.3626A>G, p.Gln1209Arg (NM_001354896.2, NM_001407447.1, NM_001407448.1 and 1 more transcripts); c.3602A>G, p.Gln1201Arg (NM_001354897.2); c.3497A>G, p.Gln1166Arg (NM_001354898.2); c.3488A>G, p.Gln1163Arg (NM_001354899.2); c.3449A>G, p.Gln1150Arg (NM_001354900.2); and 12 more; short protein forms Q1108R, Q1132R, Q1150R, Q1166R, Q1209R, Q1219R, Q1031R, Q1062R.
Identifiers: ClinVar variation 1996058 (VCV001996058.7), dbSNP rs762443695, ClinGen allele CA16029178.